The following is an entry in ClinVar:

NM_001365951.3(KIF1B):c.3953G>A (p.Arg1318His)

Gene: KIF1B (kinesin family member 1B; plus strand). Cytogenetic location: 1p36.22.
Variant type: single nucleotide variant.
Coding change: c.3953G>A on transcript NM_001365951.3 (MANE Select); coding-DNA position 3953, G replaced by A.
Protein change: p.Arg1318His; replaces arginine 1318 with histidine.
Molecular consequence: missense variant.
Genome position (GRCh38, 1-based): chr1:10,352,634, G>A. VCF-style: chr1-10352634-G-A. GRCh37 (hg19) VCF-style: chr1-10412692-G-A.
Other names: c.3953G>A, p.Arg1318His (NM_001365952.1); c.3815G>A, p.Arg1272His (NM_015074.3); short protein forms R1272H, R1318H.
Identifiers: ClinVar variation 874242 (VCV000874242.12), dbSNP rs368637007, ClinGen allele CA581954.

ClinVar aggregate classification (germline): Uncertain significance. Review status: criteria provided, multiple submitters, no conflicts (2 of 4 stars). 4 submissions from 4 submitters: Uncertain significance (3). 1 of the submissions does not count toward it. Last evaluated 2025-10-09.

Conditions:
KIF1B-related disorder. Also called: KIF1B-related condition.
Charcot-Marie-Tooth disease type 2. Also called: Charcot-Marie-Tooth type 2. Identifiers: Orphanet 64746, MedGen C0270914, MONDO:0018993.
Neuroblastoma (NB). Identifiers: Orphanet 635, MedGen C0027819, MeSH D009447, MONDO:0005072, HP:0003006.

Allele frequency attached by ClinVar (database versions not stated): gnomAD 0.00002; ExAC 0.00002; gnomAD exomes 0.00001 and 0.00002; TOPMed 0.00003; ESP Exome Variant Server 0.00008.
gnomAD v4.1: 18 of 1,611,416 alleles (0.0011%); highest among the groups gnomAD compares: Admixed American, 0.0067%; no homozygotes.

Submissions (4):

Labcorp Genetics (formerly Invitae), Labcorp
Classification: Uncertain significance for Charcot-Marie-Tooth disease type 2. Last evaluated: 2025-10-09. Review status: criteria provided, single submitter. Criteria: Invitae Variant Classification Sherloc (09022015). Collection method: clinical testing. Allele origin: germline.
Comment: This sequence change replaces arginine, which is basic and polar, with histidine, which is basic and polar, at codon 1272 of the KIF1B protein (p.Arg1272His). This variant is present in population databases (rs368637007, gnomAD 0.004%). This variant has not been reported in the literature in individuals affected with KIF1B-related conditions. ClinVar contains an entry for this variant (Variation ID: 874242). An algorithm developed to predict the effect of missense changes on protein structure and function (PolyPhen-2) suggests that this variant is likely to be disruptive. In summary, the available evidence is currently insufficient to determine the role of this variant in disease. Therefore, it has been classified as a Variant of Uncertain Significance.

Ambry Genetics
Classification: Uncertain significance. Last evaluated: 2024-11-25. Review status: criteria provided, single submitter. Criteria: Ambry Variant Classification Scheme 2023. Collection method: clinical testing. Allele origin: germline.
Comment: The p.R1272H variant (also known as c.3815G>A), located in coding exon 35 of the KIF1B gene, results from a G to A substitution at nucleotide position 3815. The arginine at codon 1272 is replaced by histidine, an amino acid with highly similar properties. This amino acid position is highly conserved in available vertebrate species. In addition, this alteration is predicted to be deleterious by in silico analysis. The evidence for this gene-disease relationship is limited; therefore, the clinical significance of this alteration is unclear.

Illumina Laboratory Services, Illumina
Classification: Uncertain significance for Neuroblastoma. Last evaluated: 2018-01-13. Review status: criteria provided, single submitter. Criteria: ICSL Variant Classification Criteria 13 December 2019. Collection method: clinical testing. Allele origin: germline.

PreventionGenetics, part of Exact Sciences
Classification: Uncertain significance for KIF1B-related condition. Last evaluated: 2024-09-22. Review status: no assertion criteria provided. Collection method: clinical testing. Allele origin: germline. Not counted in ClinVar's aggregate classification.
Comment: The KIF1B c.3815G>A variant is predicted to result in the amino acid substitution p.Arg1272His. To our knowledge, this variant has not been reported in the literature. This variant is reported in 0.0058% of alleles in individuals of Latino descent in gnomAD. At this time, the clinical significance of this variant is uncertain due to the absence of conclusive functional and genetic evidence.